The following is an entry in ClinVar:

ClinVar aggregate classification (germline): Uncertain significance (1 of 4 stars; one submission).

Allele frequency attached by ClinVar (database versions not stated): ExAC 0.00002; gnomAD exomes 0.00002; gnomAD 0.00003; TOPMed 0.00004; ESP Exome Variant Server 0.00008.
gnomAD v4.1: 34 of 1,614,076 alleles (0.0021%); highest among the groups gnomAD compares: African/African-American, 0.0053%; no homozygotes.

Submission:

Labcorp Genetics (formerly Invitae), Labcorp
Classification: Uncertain significance. Last evaluated: 2023-03-10. Review status: criteria provided, single submitter. Criteria: Invitae Variant Classification Sherloc (09022015). Collection method: clinical testing. Allele origin: germline.
Comment: Variants that disrupt the consensus splice site are a relatively common cause of aberrant splicing (PMID: 17576681, 9536098). Algorithms developed to predict the effect of sequence changes on RNA splicing suggest that this variant is not likely to affect RNA splicing. In summary, the available evidence is currently insufficient to determine the role of this variant in disease. Therefore, it has been classified as a Variant of Uncertain Significance. This variant has not been reported in the literature in individuals affected with SEMA4A-related conditions. ClinVar contains an entry for this variant (Variation ID: 1900874). This variant is present in population databases (rs375045484, gnomAD 0.01%). This sequence change falls in intron 12 of the SEMA4A gene. It does not directly change the encoded amino acid sequence of the SEMA4A protein. It affects a nucleotide within the consensus splice site.

Literature cited by the submitters: PubMed 17576681; PubMed 9536098.

NM_022367.4(SEMA4A):c.1435-3C>T

Gene: SEMA4A (semaphorin 4A; plus strand). Cytogenetic location: 1q22.
Variant type: single nucleotide variant.
Coding change: c.1435-3C>T on transcript NM_022367.4 (MANE Select); 3 bases into the intron before coding-DNA position 1435, C replaced by T.
Molecular consequence: intron variant.
Genome position (GRCh38, 1-based): chr1:156,175,083, C>T. VCF-style: chr1-156175083-C-T. GRCh37 (hg19) VCF-style: chr1-156144874-C-T.
Other names: c.928-3C>T (NM_001370571.1, NM_001370569.1); c.1435-3C>T (NM_001193300.2, NM_001193301.2, NM_001370567.1); c.1138-3C>T (NM_001370568.1); c.1039-3C>T (NM_001193302.2).
Identifiers: ClinVar variation 1900874 (VCV001900874.5), dbSNP rs375045484, ClinGen allele CA1155375.